The following is an entry in ClinVar:

ClinVar aggregate classification (germline): Uncertain significance (1 of 4 stars; one submission).

gnomAD v4.1: 15 of 1,613,070 alleles (0.00093%); highest among the groups gnomAD compares: African/African-American, 0.004%; no homozygotes.

Submission:

GeneDx
Classification: Uncertain significance. Last evaluated: 2023-12-13. Review status: criteria provided, single submitter. Criteria: GeneDx Variant Classification Process June 2021. Collection method: clinical testing. Allele origin: germline. Affected: yes.
Comment: Not observed at significant frequency in large population cohorts (gnomAD); In silico analysis supports that this missense variant has a deleterious effect on protein structure/function; Has not been previously published as pathogenic or benign to our knowledge

NM_004667.6(HERC2):c.10684G>A (p.Gly3562Arg)

Gene: HERC2 (HECT and RLD domain containing E3 ubiquitin protein ligase 2; minus strand). Cytogenetic location: 15q13.1.
Variant type: single nucleotide variant.
Coding change: c.10684G>A on transcript NM_004667.6 (MANE Select); coding-DNA position 10684, G replaced by A.
Protein change: p.Gly3562Arg; replaces glycine 3562 with arginine.
Molecular consequence: missense variant.
Genome position (GRCh38, 1-based): chr15:28,163,156, C>T on the plus strand (G>A on the coding strand, the complement: HERC2 is on the minus strand). VCF-style: chr15-28163156-C-T. GRCh37 (hg19) VCF-style: chr15-28408302-C-T.
Other names: short protein forms G3562R.
Identifiers: ClinVar variation 3365515 (VCV003365515.1).